The following is an entry in ClinVar:

NM_147127.5(EVC2):c.2159C>A (p.Thr720Asn)

Gene: EVC2 (EvC ciliary complex subunit 2; minus strand). Cytogenetic location: 4p16.2.
Variant type: single nucleotide variant.
Coding change: c.2159C>A on transcript NM_147127.5 (MANE Select); coding-DNA position 2159, C replaced by A.
Protein change: p.Thr720Asn; replaces threonine 720 with asparagine.
Molecular consequence: missense variant.
Genome position (GRCh38, 1-based): chr4:5,622,879, G>T on the plus strand (C>A on the coding strand, the complement: EVC2 is on the minus strand). VCF-style: chr4-5622879-G-T. GRCh37 (hg19) VCF-style: chr4-5624606-G-T.
Other names: c.1919C>A, p.Thr640Asn (NM_001166136.2); short protein forms T640N, T720N.
Identifiers: ClinVar variation 2059660 (VCV002059660.3), dbSNP rs201181221, ClinGen allele CA2834791.

ClinVar aggregate classification (germline): Uncertain significance (1 of 4 stars; one submission).

Conditions:
Ellis-van Creveld syndrome (EVC). Also called: Chondroectodermal dysplasia; MESOECTODERMAL DYSPLASIA; EVC-Related Ellis-van Creveld Syndrome; EVC2-Related Ellis-van Creveld Syndrome. Identifiers: Orphanet 289, MedGen C0013903, MONDO:0009162, OMIM 225500.
Curry-Hall syndrome (WAD). Also called: WEYERS ACRODENTAL DYSOSTOSIS. Identifiers: Orphanet 952, MedGen C0457013, MONDO:0008673, OMIM 193530.

Allele frequency attached by ClinVar (database versions not stated): TOPMed 0.00002; ExAC 0.00003; gnomAD 0.00003; gnomAD exomes 0.00003.
gnomAD v4.1: 45 of 1,614,040 alleles (0.0028%); highest among the groups gnomAD compares: Non-Finnish European, 0.0037%; no homozygotes.

Submission:

Labcorp Genetics (formerly Invitae), Labcorp
Classification: Uncertain significance for Curry-Hall syndrome; Ellis-van Creveld syndrome. Last evaluated: 2025-02-10. Review status: criteria provided, single submitter. Criteria: Invitae Variant Classification Sherloc (09022015). Collection method: clinical testing. Allele origin: germline.
Comment: This sequence change replaces threonine, which is neutral and polar, with asparagine, which is neutral and polar, at codon 720 of the EVC2 protein (p.Thr720Asn). This variant is present in population databases (rs201181221, gnomAD 0.004%). This variant has not been reported in the literature in individuals affected with EVC2-related conditions. ClinVar contains an entry for this variant (Variation ID: 2059660). An algorithm developed to predict the effect of missense changes on protein structure and function (PolyPhen-2) suggests that this variant is likely to be tolerated. In summary, the available evidence is currently insufficient to determine the role of this variant in disease. Therefore, it has been classified as a Variant of Uncertain Significance.